The following is an entry in ClinVar:

NM_005006.7(NDUFS1):c.503del (p.Leu168fs)

Gene: NDUFS1 (NADH:ubiquinone oxidoreductase core subunit S1; minus strand). Cytogenetic location: 2q33.3.
Variant type: Deletion.
Coding change: c.503del on transcript NM_005006.7 (MANE Select); coding-DNA position 503, one base deleted (T; older notation c.503delT).
Protein change: p.Leu168fs; shifts the reading frame from leucine 168.
Molecular consequence: frameshift variant.
Genome position (GRCh38, 1-based): chr2:206,147,579, A deleted on the plus strand (T on the coding strand, the reverse complement: NDUFS1 is on the minus strand); the first of 2 consecutive A bases (chr2:206,147,579-206,147,580); deleting either gives the same sequence. VCF-style (leftmost placement, unchanged base first): chr2-206147578-CA-C. GRCh37 (hg19) VCF-style: chr2-207012302-CA-C.
Other names: c.395del, p.Leu132fs (NM_001199981.2); c.170del, p.Leu57fs (NM_001199982.2); c.332del, p.Leu111fs (NM_001199983.2); c.545del, p.Leu182fs (NM_001199984.2); short protein forms L168fs, L132fs, L57fs, L111fs, L182fs.
Identifiers: ClinVar variation 2308108 (VCV002308108.3), dbSNP rs2470067092, ClinGen allele CA2580065477.

ClinVar aggregate classification (germline): Pathogenic/Likely pathogenic. Review status: criteria provided, multiple submitters, no conflicts (2 of 4 stars). 2 submissions from 2 submitters: Pathogenic (1); Likely pathogenic (1). Last evaluated 2023-02-24.

Conditions:
Inborn genetic diseases. Identifiers: MedGen C0950123, MeSH D030342.
NDUFS1-related disorder. Also called: NDUFS1-related condition.

Submissions (2):

PreventionGenetics, part of Exact Sciences
Classification: Likely pathogenic for NDUFS1-related condition. Last evaluated: 2023-02-24. Review status: criteria provided, single submitter. Criteria: ACMG Guidelines, 2015. Collection method: clinical testing. Allele origin: germline.
Comment: The NDUFS1 c.503delT variant is predicted to result in a frameshift and premature protein termination (p.Leu168Trpfs*2). To our knowledge, this variant has not been reported in the literature or in a large population database, indicating this variant is rare. Frameshift variants in NDUFS1 are expected to be pathogenic. Therefore, this variant is interpreted as likely pathogenic.

Ambry Genetics
Classification: Pathogenic for Inborn genetic diseases. Last evaluated: 2022-09-27. Review status: criteria provided, single submitter. Criteria: Ambry Variant Classification Scheme 2023. Collection method: clinical testing. Allele origin: germline.
Comment: The c.503delT (p.L168Wfs*2) alteration, located in exon 7 (coding exon 6) of the NDUFS1 gene, consists of a deletion of one nucleotide at position 503, causing a translational frameshift with a predicted alternate stop codon after 2 amino acids. This alteration is expected to result in loss of function by premature protein truncation or nonsense-mediated mRNA decay. This variant was not reported in population-based cohorts in the Genome Aggregation Database (gnomAD). Based on the available evidence, this alteration is classified as pathogenic.